The following is an entry in ClinVar:

NM_020856.4(TSHZ3):c.1698G>A (p.Ser566=)

Gene: TSHZ3 (teashirt zinc finger homeobox 3; minus strand). Cytogenetic location: 19q12.
Variant type: single nucleotide variant.
Coding change: c.1698G>A on transcript NM_020856.4 (MANE Select); coding-DNA position 1698, G replaced by A.
Protein change: p.Ser566=; no amino-acid change (serine 566 retained).
Molecular consequence: synonymous variant.
Genome position (GRCh38, 1-based): chr19:31,278,095, C>T on the plus strand (G>A on the coding strand, the complement: TSHZ3 is on the minus strand). VCF-style: chr19-31278095-C-T. GRCh37 (hg19) VCF-style: chr19-31769001-C-T.
Identifiers: ClinVar variation 714632 (VCV000714632.27), dbSNP rs139270246, ClinGen allele CA9354245.

ClinVar aggregate classification (germline): Benign/Likely benign. Review status: criteria provided, multiple submitters, no conflicts (2 of 4 stars). 2 submissions from 2 submitters: Benign (1); Likely benign (1). Last evaluated 2023-01-01.

Allele frequency attached by ClinVar (database versions not stated): 1000 Genomes Project 30x 0.00047; 1000 Genomes Project 0.00060; ExAC 0.00107; gnomAD exomes 0.00112; TOPMed 0.00113; gnomAD 0.00120 and 0.00124; ESP Exome Variant Server 0.00215.
gnomAD v4.1: 2,350 of 1,614,152 alleles (0.15%); highest among the groups gnomAD compares: Non-Finnish European, 0.17%; 2 homozygotes.

Submissions (2):

CeGaT Center for Human Genetics Tuebingen
Classification: Likely benign. Last evaluated: 2023-01-01. Review status: criteria provided, single submitter. Criteria: CeGaT Center For Human Genetics Tuebingen Variant Classification Criteria Version 2. Collection method: clinical testing. Allele origin: germline. Affected: yes. Observed: 1 variant allele.
Comment: TSHZ3: BP4, BP7

Labcorp Genetics (formerly Invitae), Labcorp
Classification: Benign. Last evaluated: 2018-07-10. Review status: criteria provided, single submitter. Criteria: Invitae Variant Classification Sherloc (09022015). Collection method: clinical testing. Allele origin: germline.